The following is an entry in ClinVar:

ClinVar aggregate classification (germline): Pathogenic (1 of 4 stars; one submission).

Submission:

Labcorp Genetics (formerly Invitae), Labcorp
Classification: Pathogenic. Last evaluated: 2025-08-30. Review status: criteria provided, single submitter. Criteria: Invitae Variant Classification Sherloc (09022015). Collection method: clinical testing. Allele origin: germline.
Comment: This sequence change creates a premature translational stop signal (p.Tyr2512*) in the VPS13A gene. It is expected to result in an absent or disrupted protein product. Loss-of-function variants in VPS13A are known to be pathogenic (PMID: 12404112, 21598378). This variant is not present in population databases (gnomAD no frequency). This variant has not been reported in the literature in individuals affected with VPS13A-related conditions. Algorithms developed to predict the effect of sequence changes on RNA splicing suggest that this variant may disrupt the consensus splice site. For these reasons, this variant has been classified as Pathogenic.

Literature cited by the submitters: PubMed 12404112; PubMed 21598378.

NM_033305.3(VPS13A):c.7535_7536del (p.Thr2511_Tyr2512insTer)

Gene: VPS13A (vacuolar protein sorting 13 homolog A; plus strand). Cytogenetic location: 9q21.2.
Variant type: Microsatellite.
Coding change: c.7535_7536del on transcript NM_033305.3 (MANE Select); coding-DNA positions 7535 to 7536, 2 bases deleted (AT; older notation c.7535_7536delAT).
Protein change: p.Thr2511_Tyr2512insTer.
Molecular consequence: nonsense.
Genome position (GRCh38, 1-based): chr9:77,353,524-77,353,525, AT deleted; deleting any 2 consecutive bases within chr9:77,353,522-77,353,525 gives the same sequence; the c. name uses the placement nearest the transcript's 3' end. VCF-style (leftmost placement, unchanged base first): chr9-77353521-CAT-C. GRCh37 (hg19) VCF-style: chr9-79968437-CAT-C.
Other names: c.7418_7419del, p.Thr2472_Tyr2473insTer (NM_001018037.2); c.7535_7536del, p.Thr2511_Tyr2512insTer (NM_001018038.3, NM_015186.4).
Identifiers: ClinVar variation 1456916 (VCV001456916.6), dbSNP rs2131546441, ClinGen allele CA2580616217.